The following is an entry in ClinVar:

ClinVar aggregate classification (germline): Uncertain significance (1 of 4 stars; one submission).

Conditions:
Inborn genetic diseases. Identifiers: MedGen C0950123, MeSH D030342.

gnomAD v4.1: 1 of 1,614,240 alleles (0.000062%); no homozygotes.

Submission:

Ambry Genetics
Classification: Uncertain significance for Inborn genetic diseases. Last evaluated: 2025-10-28. Review status: criteria provided, single submitter. Criteria: Ambry Variant Classification Scheme 2023. Collection method: clinical testing. Allele origin: germline.
Comment: The p.E94K variant (also known as c.280G>A), located in coding exon 2 of the ANKRD26 gene, results from a G to A substitution at nucleotide position 280. The glutamic acid at codon 94 is replaced by lysine, an amino acid with similar properties. This amino acid position is conserved. In addition, this alteration is predicted to be tolerated by in silico analysis. Based on the available evidence, the clinical significance of this variant remains unclear.

NM_014915.3(ANKRD26):c.280G>A (p.Glu94Lys)

Gene: ANKRD26 (ankyrin repeat domain 26; minus strand). Cytogenetic location: 10p12.1.
Variant type: single nucleotide variant.
Coding change: c.280G>A on transcript NM_014915.3 (MANE Select); coding-DNA position 280, G replaced by A.
Protein change: p.Glu94Lys; replaces glutamic acid 94 with lysine.
Molecular consequence: missense variant.
Genome position (GRCh38, 1-based): chr10:27,093,762, C>T on the plus strand (G>A on the coding strand, the complement: ANKRD26 is on the minus strand). VCF-style: chr10-27093762-C-T. GRCh37 (hg19) VCF-style: chr10-27382691-C-T.
Other names: c.280G>A, p.Glu94Lys (NM_001256053.2); short protein forms E94K.
Identifiers: ClinVar variation 4579680 (VCV004579680.1).